The following is an entry in ClinVar:

ClinVar aggregate classification (germline): Uncertain significance. Review status: criteria provided, multiple submitters, no conflicts (2 of 4 stars). 2 submissions from 2 submitters: Uncertain significance (2). Last evaluated 2026-08-06.

Conditions:
Neurodegeneration with brain iron accumulation 2B. Also called: NEUROAXONAL DYSTROPHY, ATYPICAL; NEURODEGENERATION WITH BRAIN IRON ACCUMULATION, PLA2G6-RELATED; aNAD; atypical Neuroaxonal Dystrophy (aNAD). Identifiers: Orphanet 35069, MedGen C1857747, MONDO:0012444, OMIM 610217.
Infantile neuroaxonal dystrophy (NBIA2A). Also called: NEURODEGENERATION WITH BRAIN IRON ACCUMULATION 2A; SEITELBERGER DISEASE; Infantile neuroaxonal dystrophy 1. Identifiers: Orphanet 35069, MedGen C0270724, MONDO:0024457, OMIM 256600.

Allele frequency attached by ClinVar (database versions not stated): ExAC 0.00002; gnomAD exomes 0.00001; gnomAD 0.00010; ESP Exome Variant Server 0.00015; TOPMed 0.00015.
gnomAD v4.1: 23 of 1,613,634 alleles (0.0014%); highest among the groups gnomAD compares: African/African-American, 0.024%; no homozygotes.

Submissions (2):

OLLIN Analises Genomicas, OLLIN
Classification: Uncertain significance for Neurodegeneration with brain iron accumulation 2B. Last evaluated: 2026-08-06. Review status: criteria provided, single submitter. Criteria: ACMG Guidelines 2015 PMID 25741868. Collection method: clinical testing. Allele origin: germline. Inheritance: Autosomal recessive inheritance.
Comment: This missense variant, located in exon 12 (of 17), has been reported in ClinVar (accession VCV002078036.1) and in gnomAD with an allele frequency of 0.0014%. However, to our knowledge, it has not been reported in the scientific literature. In silico analysis is inconclusive regarding the impact of this variant. According to the currently available evidence, this variant has been classified as uncertain significance (PM2_P).

Labcorp Genetics (formerly Invitae), Labcorp
Classification: Uncertain significance for Infantile neuroaxonal dystrophy. Last evaluated: 2022-09-27. Review status: criteria provided, single submitter. Criteria: Invitae Variant Classification Sherloc (09022015). Collection method: clinical testing. Allele origin: germline.
Comment: This sequence change replaces arginine, which is basic and polar, with glycine, which is neutral and non-polar, at codon 578 of the PLA2G6 protein (p.Arg578Gly). This variant is present in population databases (rs139186982, gnomAD 0.02%). This variant has not been reported in the literature in individuals affected with PLA2G6-related conditions. Advanced modeling of protein sequence and biophysical properties (such as structural, functional, and spatial information, amino acid conservation, physicochemical variation, residue mobility, and thermodynamic stability) performed at Invitae indicates that this missense variant is not expected to disrupt PLA2G6 protein function. In summary, the available evidence is currently insufficient to determine the role of this variant in disease. Therefore, it has been classified as a Variant of Uncertain Significance.

NM_003560.4(PLA2G6):c.1732A>G (p.Arg578Gly)

Gene: PLA2G6 (phospholipase A2 group VI; minus strand). Cytogenetic location: 22q13.1.
Variant type: single nucleotide variant.
Coding change: c.1732A>G on transcript NM_003560.4 (MANE Select); coding-DNA position 1732, A replaced by G.
Protein change: p.Arg578Gly; replaces arginine 578 with glycine.
Molecular consequence: missense variant.
Genome position (GRCh38, 1-based): chr22:38,120,769, T>C on the plus strand (A>G on the coding strand, the complement: PLA2G6 is on the minus strand). VCF-style: chr22-38120769-T-C. GRCh37 (hg19) VCF-style: chr22-38516776-T-C.
Other names: c.1570A>G, p.Arg524Gly (NM_001004426.3, NM_001199562.3, NM_001349865.2 and 1 more transcripts); c.1732A>G, p.Arg578Gly (NM_001349864.2); c.1198A>G, p.Arg400Gly (NM_001349867.2); c.1054A>G, p.Arg352Gly (NM_001349868.2); c.1036A>G, p.Arg346Gly (NM_001349869.2); short protein forms R352G, R524G, R578G, R400G, R346G.
Identifiers: ClinVar variation 2078036 (VCV002078036.2), dbSNP rs139186982, ClinGen allele CA10230768.